The following is an entry in ClinVar:

NM_015221.4(DNMBP):c.1629C>T (p.Asp543=)

Genes: DNMBP (dynamin binding protein; minus strand), DNMBP-AS1 (DNMBP antisense RNA 1; plus strand). Cytogenetic location: 10q24.2.
Variant type: single nucleotide variant.
Coding change: c.1629C>T on transcript NM_015221.4 (MANE Select); coding-DNA position 1629, C replaced by T.
Protein change: p.Asp543=; no amino-acid change (aspartic acid 543 retained).
Molecular consequence: synonymous variant.
Genome position (GRCh38, 1-based): chr10:99,955,845, G>A on the plus strand (C>T on the coding strand, the complement: DNMBP is on the minus strand). VCF-style: chr10-99955845-G-A. GRCh37 (hg19) VCF-style: chr10-101715602-G-A.
Identifiers: ClinVar variation 3035827 (VCV003035827.3), dbSNP rs114508150, ClinGen allele CA5645167.

ClinVar aggregate classification (germline): Likely benign. Review status: criteria provided, single submitter (1 of 4 stars). 2 submissions from 2 submitters: Likely benign (1). 1 of the submissions does not count toward it. Last evaluated 2024-10-22.

Conditions:
DNMBP-related disorder. Also called: DNMBP-related condition.

Allele frequency attached by ClinVar (database versions not stated): gnomAD exomes 0.00033; ExAC 0.00118; 1000 Genomes Project 30x 0.00265; 1000 Genomes Project 0.00280; gnomAD 0.00342; TOPMed 0.00400; ESP Exome Variant Server 0.00415.
gnomAD v4.1: 1,006 of 1,614,224 alleles (0.062%); highest among the groups gnomAD compares: African/African-American, 1.2%; 2 homozygotes.

Submissions (2):

Blueprint Genetics
Classification: Likely benign. Last evaluated: 2024-10-22. Review status: criteria provided, single submitter. Criteria: ACMG Guidelines, 2015. Collection method: clinical testing. Allele origin: germline.

PreventionGenetics, part of Exact Sciences
Classification: Benign for DNMBP-related condition. Last evaluated: 2019-07-31. Review status: no assertion criteria provided. Collection method: clinical testing. Allele origin: germline. Not counted in ClinVar's aggregate classification.
Comment: This variant is classified as benign based on ACMG/AMP sequence variant interpretation guidelines (Richards et al. 2015 PMID: 25741868, with internal and published modifications).